The following is an entry in ClinVar:

ClinVar aggregate classification (germline): Pathogenic/Likely pathogenic. Review status: criteria provided, multiple submitters, no conflicts (2 of 4 stars). 2 submissions from 2 submitters: Pathogenic (1); Likely pathogenic (1). Last evaluated 2023-06-09.

Conditions:
Actin accumulation myopathy (CMYO2A). Also called: CONGENITAL MYOPATHY 2A, TYPICAL, AUTOSOMAL DOMINANT; Myopathy, actin, congenital, with cores; Nemaline myopathy 3, with intranuclear rods; Nemaline myopathy type 3; Myopathy, actin, congenital, with excess of thin myofilaments. Identifiers: Orphanet 98904, MedGen C3711389, MONDO:0008070, OMIM 161800.
ACTA1-related disorder. Also called: ACTA1-related condition.

Submissions (2):

Blueprint Genetics
Classification: Likely pathogenic for ACTA1-related disorders. Last evaluated: 2023-06-09. Review status: criteria provided, single submitter. Criteria: ACMG Guidelines, 2015. Collection method: clinical testing. Allele origin: germline. Affected: yes. Observed: 1 variant allele.

Labcorp Genetics (formerly Invitae), Labcorp
Classification: Pathogenic for Actin accumulation myopathy. Last evaluated: 2022-08-09. Review status: criteria provided, single submitter. Criteria: Invitae Variant Classification Sherloc (09022015). Collection method: clinical testing. Allele origin: germline.
Comment: For these reasons, this variant has been classified as Pathogenic. Advanced modeling of protein sequence and biophysical properties (such as structural, functional, and spatial information, amino acid conservation, physicochemical variation, residue mobility, and thermodynamic stability) performed at Invitae indicates that this missense variant is expected to disrupt ACTA1 protein function. ClinVar contains an entry for this variant (Variation ID: 464123). This variant is also known as Leu140Pro. This missense change has been observed in individuals with autosomal dominant ACTA1-related conditions (PMID: 12921789; Invitae). This variant is not present in population databases (gnomAD no frequency). This sequence change replaces leucine, which is neutral and non-polar, with proline, which is neutral and non-polar, at codon 142 of the ACTA1 protein (p.Leu142Pro).

Literature cited by the submitters: PubMed 12921789 (cited by Labcorp Genetics (formerly Invitae), Labcorp).

NM_001100.4(ACTA1):c.425T>C (p.Leu142Pro)

Gene: ACTA1 (actin alpha 1, skeletal muscle; minus strand). Cytogenetic location: 1q42.13.
Variant type: single nucleotide variant.
Coding change: c.425T>C on transcript NM_001100.4 (MANE Select); coding-DNA position 425, T replaced by C.
Protein change: p.Leu142Pro; replaces leucine 142 with proline.
Molecular consequence: missense variant.
Genome position (GRCh38, 1-based): chr1:229,432,585, A>G on the plus strand (T>C on the coding strand, the complement: ACTA1 is on the minus strand). VCF-style: chr1-229432585-A-G. GRCh37 (hg19) VCF-style: chr1-229568332-A-G.
Other names: short protein forms L142P.
Identifiers: ClinVar variation 464123 (VCV000464123.10), dbSNP rs1553255482, ClinGen allele CA345149206.